The following is an entry in ClinVar:

NM_004589.4(SCO1):c.670C>G (p.Leu224Val)

Gene: SCO1 (synthesis of cytochrome C oxidase 1; minus strand). Cytogenetic location: 17p13.1.
Variant type: single nucleotide variant.
Coding change: c.670C>G on transcript NM_004589.4 (MANE Select); coding-DNA position 670, C replaced by G.
Protein change: p.Leu224Val; replaces leucine 224 with valine.
Molecular consequence: missense variant.
Genome position (GRCh38, 1-based): chr17:10,686,828, G>C on the plus strand (C>G on the coding strand, the complement: SCO1 is on the minus strand). VCF-style: chr17-10686828-G-C. GRCh37 (hg19) VCF-style: chr17-10590145-G-C.
Other names: c.670C>G (NM_004589.2); short protein forms L224V.
Identifiers: ClinVar variation 1945540 (VCV001945540.6), dbSNP rs758261444, ClinGen allele CA8393505.

ClinVar aggregate classification (germline): Uncertain significance. Review status: criteria provided, multiple submitters, no conflicts (2 of 4 stars). 2 submissions from 2 submitters: Uncertain significance (2). Last evaluated 2024-08-01.

Conditions:
Inborn genetic diseases. Identifiers: MedGen C0950123, MeSH D030342.

Allele frequency attached by ClinVar (database versions not stated): ExAC 0.00001; gnomAD 0.00002; TOPMed 0.00002.
gnomAD v4.1: 8 of 1,612,422 alleles (0.0005%); highest among the groups gnomAD compares: African/African-American, 0.0013%; no homozygotes.

Submissions (2):

Ambry Genetics
Classification: Uncertain significance for Inborn genetic diseases. Last evaluated: 2024-08-01. Review status: criteria provided, single submitter. Criteria: Ambry Variant Classification Scheme 2023. Collection method: clinical testing. Allele origin: germline.

Labcorp Genetics (formerly Invitae), Labcorp
Classification: Uncertain significance. Last evaluated: 2022-10-01. Review status: criteria provided, single submitter. Criteria: Invitae Variant Classification Sherloc (09022015). Collection method: clinical testing. Allele origin: germline.
Comment: This sequence change replaces leucine, which is neutral and non-polar, with valine, which is neutral and non-polar, at codon 224 of the SCO1 protein (p.Leu224Val). This variant is present in population databases (rs758261444, gnomAD 0.002%). This variant has not been reported in the literature in individuals affected with SCO1-related conditions. Advanced modeling of protein sequence and biophysical properties (such as structural, functional, and spatial information, amino acid conservation, physicochemical variation, residue mobility, and thermodynamic stability) has been performed at Invitae for this missense variant, however the output from this modeling did not meet the statistical confidence thresholds required to predict the impact of this variant on SCO1 protein function. In summary, the available evidence is currently insufficient to determine the role of this variant in disease. Therefore, it has been classified as a Variant of Uncertain Significance.